The following is an entry in ClinVar:

NM_004260.4(RECQL4):c.433A>G (p.Thr145Ala)

Gene: RECQL4 (RecQ like helicase 4; minus strand). Cytogenetic location: 8q24.3.
Variant type: single nucleotide variant.
Coding change: c.433A>G on transcript NM_004260.4 (MANE Select); coding-DNA position 433, A replaced by G.
Protein change: p.Thr145Ala; replaces threonine 145 with alanine.
Molecular consequence: missense variant. On other transcripts: 5 prime UTR variant (12), non-coding transcript variant (3), intron variant (6).
Genome position (GRCh38, 1-based): chr8:144,516,686, T>C on the plus strand (A>G on the coding strand, the complement: RECQL4 is on the minus strand). VCF-style: chr8-144516686-T-C. GRCh37 (hg19) VCF-style: chr8-145742070-T-C.
Other names: c.433A>G (NM_004260.3); c.433A>G, p.Thr145Ala (NM_001413017.1, NM_001413018.1, NM_001413019.1 and 4 more transcripts); c.-639A>G (NM_001413022.1, NM_001413023.1, NM_001413037.1 and 3 more transcripts); c.304A>G, p.Thr102Ala (NM_001413025.1); c.-701A>G (NM_001413027.1, NM_001413030.1, NM_001413031.1 and 1 more transcripts); c.-543A>G (NM_001413034.1); c.-908A>G (NM_001413043.1); c.355-273A>G (NM_001413029.1); and 4 more; short protein forms T102A, T145A.
Identifiers: ClinVar variation 3019650 (VCV003019650.4), dbSNP rs2130728985, ClinGen allele CA372691506.

ClinVar aggregate classification (germline): Conflicting classifications of pathogenicity. Review status: criteria provided, conflicting classifications (1 of 4 stars). 2 submissions from 2 submitters: Uncertain significance (1); Likely benign (1). Last evaluated 2024-11-24.

Conditions:
Inborn genetic diseases. Identifiers: MedGen C0950123, MeSH D030342.
Baller-Gerold syndrome (BGS). Also called: CRANIOSYNOSTOSIS WITH RADIAL DEFECTS. Identifiers: Orphanet 1225, MedGen C0265308, MONDO:0009039, OMIM 218600.

Allele frequency attached by ClinVar (database versions not stated): gnomAD exomes below 0.00001.
gnomAD v4.1: 1 of 1,572,262 alleles (0.000064%); highest among the groups gnomAD compares: Non-Finnish European, 0.000086%; no homozygotes.

Submissions (2):

Ambry Genetics
Classification: Likely benign for Inborn genetic diseases. Last evaluated: 2024-11-24. Review status: criteria provided, single submitter. Criteria: Ambry Variant Classification Scheme 2023. Collection method: clinical testing. Allele origin: germline.

Labcorp Genetics (formerly Invitae), Labcorp
Classification: Uncertain significance for Baller-Gerold syndrome. Last evaluated: 2023-10-04. Review status: criteria provided, single submitter. Criteria: Invitae Variant Classification Sherloc (09022015). Collection method: clinical testing. Allele origin: germline.
Comment: This sequence change replaces threonine, which is neutral and polar, with alanine, which is neutral and non-polar, at codon 145 of the RECQL4 protein (p.Thr145Ala). This variant is not present in population databases (gnomAD no frequency). This variant has not been reported in the literature in individuals affected with RECQL4-related conditions. Advanced modeling of protein sequence and biophysical properties (such as structural, functional, and spatial information, amino acid conservation, physicochemical variation, residue mobility, and thermodynamic stability) performed at Invitae indicates that this missense variant is not expected to disrupt RECQL4 protein function. Algorithms developed to predict the effect of sequence changes on RNA splicing suggest that this variant may disrupt the consensus splice site. In summary, the available evidence is currently insufficient to determine the role of this variant in disease. Therefore, it has been classified as a Variant of Uncertain Significance.